The following is an entry in ClinVar:

NM_001040142.2(SCN2A):c.854A>G (p.Asn285Ser)

Gene: SCN2A (sodium voltage-gated channel alpha subunit 2; plus strand). Cytogenetic location: 2q24.3.
Variant type: single nucleotide variant.
Coding change: c.854A>G on transcript NM_001040142.2 (MANE Select); coding-DNA position 854, A replaced by G.
Protein change: p.Asn285Ser; replaces asparagine 285 with serine.
Molecular consequence: missense variant.
Genome position (GRCh38, 1-based): chr2:165,310,479, A>G. VCF-style: chr2-165310479-A-G. GRCh37 (hg19) VCF-style: chr2-166166989-A-G.
Other names: c.854A>G, p.Asn285Ser (NM_001040143.2, NM_001371246.1, NM_001371247.1 and 1 more transcripts); short protein forms N285S.
Identifiers: ClinVar variation 2934000 (VCV002934000.3), dbSNP rs2467890553, ClinGen allele CA349018369.

ClinVar aggregate classification (germline): Uncertain significance (1 of 4 stars; one submission).

Conditions:
Seizures, benign familial infantile, 3 (BFIS3). Also called: CONVULSIONS, BENIGN FAMILIAL INFANTILE, 3; Familial neonatal seizures. Identifiers: Orphanet 140927, Orphanet 306, MedGen C1843140, MONDO:0011904, OMIM 607745.
Developmental and epileptic encephalopathy, 11 (DEE11). Also called: Early infantile epileptic encephalopathy 11. Identifiers: Orphanet 1934, MedGen C3150987, MONDO:0013388, OMIM 613721.

Allele frequency attached by ClinVar (database versions not stated): gnomAD exomes below 0.00001.
gnomAD v4.1: 2 of 1,613,648 alleles (0.00012%); highest among the groups gnomAD compares: Non-Finnish European, 0.00017%; no homozygotes.

Submission:

Labcorp Genetics (formerly Invitae), Labcorp
Classification: Uncertain significance for Seizures, benign familial infantile, 3; Developmental and epileptic encephalopathy, 11. Last evaluated: 2023-12-11. Review status: criteria provided, single submitter. Criteria: Invitae Variant Classification Sherloc (09022015). Collection method: clinical testing. Allele origin: germline.
Comment: This sequence change replaces asparagine, which is neutral and polar, with serine, which is neutral and polar, at codon 285 of the SCN2A protein (p.Asn285Ser). This variant is not present in population databases (gnomAD no frequency). This variant has not been reported in the literature in individuals affected with SCN2A-related conditions. Advanced modeling of protein sequence and biophysical properties (such as structural, functional, and spatial information, amino acid conservation, physicochemical variation, residue mobility, and thermodynamic stability) performed at Invitae indicates that this missense variant is not expected to disrupt SCN2A protein function with a negative predictive value of 95%. In summary, the available evidence is currently insufficient to determine the role of this variant in disease. Therefore, it has been classified as a Variant of Uncertain Significance.